The following is an entry in ClinVar:

ClinVar aggregate classification (germline): Uncertain significance (1 of 4 stars; one submission).

Conditions:
Charcot-Marie-Tooth disease axonal type 2V. Also called: CHARCOT-MARIE-TOOTH NEUROPATHY, TYPE 2V; CHARCOT-MARIE-TOOTH DISEASE, AXONAL, AUTOSOMAL DOMINANT, TYPE 2V. Identifiers: Orphanet 447964, MedGen C5569050, MONDO:0014665, OMIM 616491.
Mucopolysaccharidosis, MPS-III-B (MPS3B). Also called: MPS IIIB (Sanfilippo Syndrome Type B); N-ACETYL-ALPHA-D-GLUCOSAMINIDASE DEFICIENCY; NAGLU DEFICIENCY; MUCOPOLYSACCHARIDOSIS, TYPE IIIB; Mucopolysaccharidosis type IIIB (Sanfilippo B); SANFILIPPO SYNDROME B. Identifiers: Orphanet 79270, MedGen C0086648, MONDO:0009656, OMIM 252920.

Submission:

Labcorp Genetics (formerly Invitae), Labcorp
Classification: Uncertain significance for Charcot-Marie-Tooth disease axonal type 2V; Mucopolysaccharidosis, MPS-III-B. Last evaluated: 2022-10-05. Review status: criteria provided, single submitter. Criteria: Invitae Variant Classification Sherloc (09022015). Collection method: clinical testing. Allele origin: germline.
Comment: This variant results in a copy number gain of the genomic region encompassing exon(s) 1-4 of the NAGLU gene. This region includes the initiator codon of the gene. This copy number gain extends beyond the assayed region for this gene and therefore may encompass additional genes. As the precise location of this event is unknown, it may be in tandem or it may be located elsewhere in the genome. This variant has not been reported in the literature in individuals affected with NAGLU-related conditions. In summary, the available evidence is currently insufficient to determine the role of this variant in disease. Therefore, it has been classified as a Variant of Uncertain Significance.

NC_000017.10:g.(?_40688291)_(40690793_?)dup

Gene: NAGLU (N-acetyl-alpha-glucosaminidase; plus strand). Cytogenetic location: 17q21.2.
Variant type: Duplication.
Identifiers: ClinVar variation 1385960 (VCV001385960.4).